The following is an entry in ClinVar:

ClinVar aggregate classification (germline): Uncertain significance. Review status: criteria provided, multiple submitters, no conflicts (2 of 4 stars). 3 submissions from 3 submitters: Uncertain significance (3). Last evaluated 2023-11-13.

Conditions:
Inborn genetic diseases. Identifiers: MedGen C0950123, MeSH D030342.

Allele frequency attached by ClinVar (database versions not stated): gnomAD 0.00001; gnomAD exomes 0.00001 and 0.00002; TOPMed 0.00002.
gnomAD v4.1: 33 of 1,609,636 alleles (0.0021%); highest among the groups gnomAD compares: Non-Finnish European, 0.0027%; no homozygotes.

Submissions (3):

Ambry Genetics
Classification: Uncertain significance for Inborn genetic diseases. Last evaluated: 2023-11-13. Review status: criteria provided, single submitter. Criteria: Ambry Variant Classification Scheme 2023. Collection method: clinical testing. Allele origin: germline.

ARUP Laboratories, Molecular Genetics and Genomics, ARUP Laboratories
Classification: Uncertain significance. Last evaluated: 2020-10-26. Review status: criteria provided, single submitter. Criteria: ARUP Molecular Germline Variant Investigation Process 2021. Collection method: clinical testing. Allele origin: germline.
Comment: The KRIT1 c.1369A>G; p.Thr457Ala variant (rs1230178894), to our knowledge, is not reported in the medical literature but is reported in ClinVar (Variation ID: 450697). This variant is found on only two chromosomes (2/251206 alleles) in the Genome Aggregation Database. The threonine at codon 457 is highly conserved, but computational analyses are uncertain whether this variant is neutral or deleterious (REVEL: 0.257). Due to limited information, the clinical significance of the p.Thr457Ala variant is uncertain at this time.

GeneDx
Classification: Uncertain significance. Last evaluated: 2017-07-19. Review status: criteria provided, single submitter. Criteria: GeneDx Variant Classification (06012015). Collection method: clinical testing. Allele origin: germline. Affected: yes.
Comment: The T457A variant in the KRIT1 gene has not been reported previously as a pathogenic variant, nor as a benign variant, to our knowledge. The T457A variant is not observed in large population cohorts (Lek et al., 2016; 1000 Genomes Consortium et al., 2015; Exome Variant Server). The T457A variant is a non-conservative amino acid substitution, which is likely to impact secondary protein structure as these residues differ in polarity, charge, size and/or other properties. This substitution occurs at a position that is conserved across species. However, in silico analysis is inconsistent in its predictions as to whether or not the variant is damaging to the protein structure/function. We interpret T457A as a variant of uncertain significance.

NM_194454.3(KRIT1):c.1369A>G (p.Thr457Ala)

Gene: KRIT1 (KRIT1 ankyrin repeat containing; minus strand). Cytogenetic location: 7q21.2.
Variant type: single nucleotide variant.
Coding change: c.1369A>G on transcript NM_194454.3 (MANE Select); coding-DNA position 1369, A replaced by G.
Protein change: p.Thr457Ala; replaces threonine 457 with alanine.
Molecular consequence: missense variant.
Genome position (GRCh38, 1-based): chr7:92,222,864, T>C on the plus strand (A>G on the coding strand, the complement: KRIT1 is on the minus strand). VCF-style: chr7-92222864-T-C. GRCh37 (hg19) VCF-style: chr7-91852178-T-C.
Other names: c.1225A>G, p.Thr409Ala (NM_001013406.2, NM_001350669.1, NM_001350670.1); c.655A>G, p.Thr219Ala (NM_001350671.1); c.1369A>G, p.Thr457Ala (NM_001350672.1, NM_001350673.1, NM_001350674.1 and 26 more transcripts); short protein forms T457A, T219A, T409A.
Identifiers: ClinVar variation 450697 (VCV000450697.10), dbSNP rs1230178894, ClinGen allele CA368147183.
Genomic context (GRCh38, chr7:92,222,864, plus strand): 5'-TAATAAAAACTTTCTTACTGAGGTTTTCTGAACAAATCCATATAGTGAAATATTGCTGAG[T>C]TTCTTGAGAGAGACGCATTCCTTCCATTATCTGCTGCACTGTGGTATTATTTCCATGCTT-3'
Protein context (NP_919436.1, residues 447-467): IMEGMRLSQE[Thr457Ala]QQYFTIWICS